The following is an entry in ClinVar:

NM_015015.3(KDM4B):c.1785+10A>C

Genes: KDM4B (lysine demethylase 4B; plus strand), LOC130063244 (ATAC-STARR-seq lymphoblastoid active region 13796; plus strand). Cytogenetic location: 19p13.3.
Variant type: single nucleotide variant.
Coding change: c.1785+10A>C on transcript NM_015015.3 (MANE Select); 10 bases into the intron after coding-DNA position 1785, A replaced by C.
Molecular consequence: intron variant.
Genome position (GRCh38, 1-based): chr19:5,131,555, A>C. VCF-style: chr19-5131555-A-C. GRCh37 (hg19) VCF-style: chr19-5131566-A-C.
Other names: c.1887+10A>C (NM_001411148.1).
Identifiers: ClinVar variation 4056536 (VCV004056536.1).
Genomic context (GRCh38, chr19:5,131,555, plus strand): 5'-AGCAGTGGGGCAGGTCGCATGGAGACCAAAGCCCGGGCCGGAGAGGGGCAGGTGGGGTGG[A>C]GCGGGGGAGGCAGGGAGGAGGGGGGCAGGTGGGGTGGGGCAGGGGAGGAGGGGGCAGGTG-3'

ClinVar aggregate classification (germline): Uncertain significance (1 of 4 stars; one submission).

Conditions:
Intellectual developmental disorder, autosomal dominant 65. Also called: MENTAL RETARDATION, AUTOSOMAL DOMINANT 65. Identifiers: MedGen C5543371, MONDO:0023657, OMIM 619320.

Submission:

Laboratorio de Genetica e Diagnostico Molecular, Hospital Israelita Albert Einstein
Classification: Uncertain significance for Intellectual developmental disorder, autosomal dominant 65. Last evaluated: 2023-04-22. Review status: criteria provided, single submitter. Criteria: ACMG Guidelines, 2015. Collection method: clinical testing. Allele origin: germline. Affected: yes.
Comment: ACMG classification criteria: PM2 moderate